The following is an entry in ClinVar:

ClinVar aggregate classification (germline): Uncertain significance (1 of 4 stars; one submission).

Submission:

GeneDx
Classification: Uncertain significance. Last evaluated: 2024-12-25. Review status: criteria provided, single submitter. Criteria: GeneDx Variant Classification Process June 2021. Collection method: clinical testing. Allele origin: germline. Affected: yes.
Comment: Not observed at significant frequency in large population cohorts (gnomAD); In silico analysis supports that this missense variant has a deleterious effect on protein structure/function; Has not been previously published as pathogenic or benign to our knowledge

NM_000069.3(CACNA1S):c.3042G>C (p.Glu1014Asp)

Gene: CACNA1S (calcium voltage-gated channel subunit alpha1 S; minus strand). Cytogenetic location: 1q32.1.
Variant type: single nucleotide variant.
Coding change: c.3042G>C on transcript NM_000069.3 (MANE Select); coding-DNA position 3042, G replaced by C.
Protein change: p.Glu1014Asp; replaces glutamic acid 1014 with aspartic acid.
Molecular consequence: missense variant.
Genome position (GRCh38, 1-based): chr1:201,061,955, C>G on the plus strand (G>C on the coding strand, the complement: CACNA1S is on the minus strand). VCF-style: chr1-201061955-C-G. GRCh37 (hg19) VCF-style: chr1-201031083-C-G.
Other names: short protein forms E1014D.
Identifiers: ClinVar variation 3908008 (VCV003908008.1).